The following is an entry in ClinVar:

NM_003265.3(TLR3):c.2011C>T (p.Leu671=)

Gene: TLR3 (toll like receptor 3; plus strand). Cytogenetic location: 4q35.1.
Variant type: single nucleotide variant.
Coding change: c.2011C>T on transcript NM_003265.3 (MANE Select); coding-DNA position 2011, C replaced by T.
Protein change: p.Leu671=; no amino-acid change (leucine 671 retained).
Molecular consequence: synonymous variant.
Genome position (GRCh38, 1-based): chr4:186,083,697, C>T. VCF-style: chr4-186083697-C-T. GRCh37 (hg19) VCF-style: chr4-187004851-C-T.
Identifiers: ClinVar variation 537936 (VCV000537936.21), dbSNP rs144019953, ClinGen allele CA3161507.
Genomic context (GRCh38, chr4:186,083,697, plus strand): 5'-TGTGAAAGTATTGCCTGGTTTGTTAATTGGATTAACGAGACCCATACCAACATCCCTGAG[C>T]TGTCAAGCCACTACCTTTGCAACACTCCACCTCACTATCATGGGTTCCCAGTGAGACTTT-3'
Protein context (NP_003256.1, residues 661-681): INETHTNIPE[Leu671=]SSHYLCNTPP

ClinVar aggregate classification (germline): Likely benign. Review status: criteria provided, multiple submitters, no conflicts (2 of 4 stars). 3 submissions from 3 submitters: Likely benign (3). Last evaluated 2025-11-19.

Conditions:
Encephalopathy, acute, infection-induced (herpes-specific), susceptibility to, 1. Also called: Herpes simplex encephalitis, susceptibility to, 1. Identifiers: Orphanet 1930, MedGen C2750180, MONDO:0024563, OMIM 610551.

Allele frequency attached by ClinVar (database versions not stated): gnomAD exomes 0.00035 and 0.00028; TOPMed 0.00042; 1000 Genomes Project 0.00020; ESP Exome Variant Server 0.00023; 1000 Genomes Project 30x 0.00031; ExAC 0.00027; gnomAD 0.00026.
gnomAD v4.1: 536 of 1,602,366 alleles (0.033%); highest among the groups gnomAD compares: Non-Finnish European, 0.041%; no homozygotes.

Submissions (3):

Labcorp Genetics (formerly Invitae), Labcorp
Classification: Likely benign for Encephalopathy, acute, infection-induced (herpes-specific), susceptibility to, 1. Last evaluated: 2025-11-19. Review status: criteria provided, single submitter. Criteria: Invitae Variant Classification Sherloc (09022015). Collection method: clinical testing. Allele origin: germline.

CeGaT Center for Human Genetics Tuebingen
Classification: Likely benign. Last evaluated: 2025-08-01. Review status: criteria provided, single submitter. Criteria: CeGaT Center For Human Genetics Tuebingen Variant Classification Criteria Version 2. Collection method: clinical testing. Allele origin: germline. Affected: yes. Observed: 1 variant allele.
Comment: TLR3: BP4, BP7

Blueprint Genetics
Classification: Likely benign. Last evaluated: 2024-10-31. Review status: criteria provided, single submitter. Criteria: ACMG Guidelines, 2015. Collection method: clinical testing. Allele origin: germline.